The following is an entry in ClinVar:

ClinVar aggregate classification (germline): Likely pathogenic (1 of 4 stars; one submission).

Conditions:
Tuberous sclerosis 1 (TSC1). Identifiers: Orphanet 805, MedGen C1854465, MONDO:0008612, OMIM 191100.

Submission:

Labcorp Genetics (formerly Invitae), Labcorp
Classification: Likely pathogenic for Tuberous sclerosis 1. Last evaluated: 2024-02-12. Review status: criteria provided, single submitter. Criteria: Invitae Variant Classification Sherloc (09022015). Collection method: clinical testing. Allele origin: germline.
Comment: This sequence change affects an acceptor splice site in intron 14 of the TSC1 gene. It is expected to disrupt RNA splicing. Variants that disrupt the donor or acceptor splice site typically lead to a loss of protein function (PMID: 16199547), and loss-of-function variants in TSC1 are known to be pathogenic (PMID: 10227394, 17304050). This variant is not present in population databases (gnomAD no frequency). Disruption of this splice site has been observed in individual(s) with tuberous sclerosis complex (PMID: 28968464). ClinVar contains an entry for this variant (Variation ID: 941513). Algorithms developed to predict the effect of sequence changes on RNA splicing suggest that this variant may disrupt the consensus splice site. In summary, the currently available evidence indicates that the variant is pathogenic, but additional data are needed to prove that conclusively. Therefore, this variant has been classified as Likely Pathogenic.

Literature cited by the submitters: PubMed 16199547; PubMed 10227394; PubMed 17304050; PubMed 28968464.

NM_000368.5(TSC1):c.1439-1G>C

Gene: TSC1 (TSC complex subunit 1; minus strand). Cytogenetic location: 9q34.13.
Variant type: single nucleotide variant.
Coding change: c.1439-1G>C on transcript NM_000368.5 (MANE Select); the canonical splice acceptor site of the intron before coding-DNA position 1439, G replaced by C.
Molecular consequence: splice acceptor variant.
Genome position (GRCh38, 1-based): chr9:132,906,140, C>G on the plus strand (G>C on the coding strand, the complement: TSC1 is on the minus strand). VCF-style: chr9-132906140-C-G. GRCh37 (hg19) VCF-style: chr9-135781527-C-G.
Other names: c.1076-1G>C (NM_001406614.1, NM_001406624.1, NM_001406616.1 and 5 more transcripts); c.1283-1G>C (NM_001406611.1, NM_001406613.1, NM_001406612.1); c.1286-1G>C (NM_001162427.2, NM_001406610.1); c.485-1G>C (NM_001406628.1, NM_001406627.1); c.488-1G>C (NM_001406626.1); c.1436-1G>C (NM_001406604.1, NM_001406608.1, NM_001162426.2 and 6 more transcripts); c.1439-1G>C (NM_001406601.1, NM_001406605.1, NM_001406594.1 and 7 more transcripts); c.386-1G>C (NM_001406630.1, NM_001406629.1); and 1 more.
Identifiers: ClinVar variation 941513 (VCV000941513.10), dbSNP rs397514804, ClinGen allele CA375365642.
Genomic context (GRCh38, chr9:132,906,140, plus strand): 5'-GAGGAACCACAGGCTCTGCCTCTGCTGTGGTGATCTCAGAAAGTTCTCTAGATATTGCAG[C>G]TGAGAGGAAGAGAGGAAACAAAAGAAATGGCAGTCGGTATTCCACCTGGGAAAGACTAGG-3'